The following is an entry in ClinVar:

ClinVar aggregate classification (germline): Uncertain significance (1 of 4 stars; one submission).

Submission:

GeneDx
Classification: Uncertain significance. Last evaluated: 2016-11-15. Review status: criteria provided, single submitter. Criteria: GeneDx Variant Classification (06012015). Collection method: clinical testing. Allele origin: germline. Affected: yes.
Comment: The K246X variant in the DNM2 gene has not been reported previously as a pathogenic variant nor as a benign variant, to our knowledge. This variant is predicted to cause loss of normal protein function either through protein truncation or nonsense-mediated mRNA decay. The K246X variant was not observed in approximately 6500 individuals of European and African American ancestry in the NHLBI Exome Sequencing Project, indicating it is not a common benign variant in these populations. We interpret K246X as a variant of uncertain significance

NM_001005361.3(DNM2):c.736A>T (p.Lys246Ter)

Gene: DNM2 (dynamin 2; plus strand). Cytogenetic location: 19p13.2.
Variant type: single nucleotide variant.
Coding change: c.736A>T on transcript NM_001005361.3 (MANE Select); coding-DNA position 736, A replaced by T.
Protein change: p.Lys246Ter; replaces lysine 246 with a stop codon.
Molecular consequence: nonsense.
Genome position (GRCh38, 1-based): chr19:10,783,007, A>T. VCF-style: chr19-10783007-A-T. GRCh37 (hg19) VCF-style: chr19-10893683-A-T.
Other names: c.736A>T, p.Lys246Ter (NM_001005360.3, NM_001005362.3, NM_001190716.2 and 1 more transcripts); short protein forms K246*.
Identifiers: ClinVar variation 488952 (VCV000488952.2), dbSNP rs1555707649, ClinGen allele CA404045169.